The following is an entry in ClinVar:

ClinVar aggregate classification (germline): Pathogenic/Likely pathogenic. Review status: criteria provided, multiple submitters, no conflicts (2 of 4 stars). 59 submissions from 53 submitters: Pathogenic (50); Likely pathogenic (1). 8 of the submissions do not count toward it. Last evaluated 2026-09-09.

Conditions:
GJB2-related disorder. Also called: GJB2-related condition; GJB2-related disorders. Identifiers: MedGen CN382183, MONDO:1060236.
Rare genetic deafness. Identifiers: Orphanet 96210, MedGen C5680250.
Monogenic hearing loss.
Palmoplantar keratoderma-deafness syndrome. Also called: Keratoderma palmoplantar, with deafness; Palmoplantar keratoderma and sensorineural deafness; Hereditary palmoplantar keratoderma with deafness (subtype); Focal palmoplantar keratoderma with sensorineural deafness (subtype); Diffuse palmoplantar keratoderma with deafness (subtype). Identifiers: Orphanet 2202, MedGen C1835672, MONDO:0007852, OMIM 148350.
Knuckle pads, deafness AND leukonychia syndrome. Also called: Bart-Pumphrey syndrome. Identifiers: Orphanet 2698, MedGen C0266004, MONDO:0007866, OMIM 149200.
Mutilating keratoderma (VOWNKL). Also called: Keratoderma hereditarium mutilans. Identifiers: Orphanet 494, MedGen C0265964, MONDO:0007422, OMIM 124500.
Ichthyosis and erythrokeratoderma.
Deafness. Identifiers: MedGen C0011053.
Hearing loss. Identifiers: MedGen C3887873.
Autosomal recessive nonsyndromic hearing loss 1A (DFNB1A). Also called: Deafness, autosomal recessive 1A; GJB2-Related Autosomal Recessive Nonsyndromic Hearing Loss; Connexin 26 deafness; Deafness nonsyndromic, Connexin 26 linked; Nonsyndromic Hearing Loss and Deafness, DFNB1; GJB6-Related DFNB 1 Nonsyndromic Hearing Loss and Deafness. Identifiers: Orphanet 90636, MedGen C2673759, MONDO:0009076, OMIM 220290.
Autosomal dominant keratitis-ichthyosis-hearing loss syndrome. Also called: HID SYNDROME; KID SYNDROME, AUTOSOMAL DOMINANT; Senter syndrome. Identifiers: Orphanet 477, MedGen C0265336, MONDO:0007850, OMIM 148210.
X-linked mixed hearing loss with perilymphatic gusher. Also called: NANCE DEAFNESS; Gusher syndrome; PERILYMPHATIC GUSHER-DEAFNESS SYNDROME; SENSORINEURAL DEAFNESS, PROFOUND, WITH OR WITHOUT A CONDUCTIVE COMPONENT, ASSOCIATED WITH A UNIQUE DEVELOPMENTAL ABNORMALITY OF THE EAR; Deafness, X-linked 2. Identifiers: Orphanet 383, MedGen C1844678, MONDO:0010576, OMIM 304400.
Autosomal dominant nonsyndromic hearing loss 3A. Identifiers: Orphanet 90635, MedGen C2675750, MONDO:0011103, OMIM 601544.
Ichthyosis, hystrix-like, with hearing loss. Also called: Hystrix-like ichthyosis with deafness. Identifiers: Orphanet 477, MedGen C1865234, MONDO:0011245.
Inborn genetic diseases. Identifiers: MedGen C0950123, MeSH D030342.
Nonsyndromic genetic hearing loss. Also called: Nonsyndromic hearing loss and deafness; Non-syndromic genetic deafness; Nonsyndromic genetic deafness. Identifiers: Orphanet 87884, MedGen C5680182, MONDO:0019497.
Autosomal recessive nonsyndromic hearing loss 1B. Also called: DEAFNESS, AUTOSOMAL RECESSIVE 1B. Identifiers: Orphanet 90636, MedGen C2675235, MONDO:0012977, OMIM 612645.
Hearing impairment. Also called: Impaired Hearing. Identifiers: MedGen C1384666, MONDO:0005365, HP:0000365.

Allele frequency attached by ClinVar (database versions not stated): gnomAD exomes 0.00067 and 0.00064; gnomAD 0.00066 and 0.00064; ExAC 0.00088; TOPMed 0.00058.
gnomAD v4.1: 1,076 of 1,613,914 alleles (0.067%); highest among the groups gnomAD compares: Non-Finnish European, 0.082%; 3 homozygotes.

Submissions 1 to 8 of 59:

PreventionGenetics, part of Exact Sciences
Classification: Pathogenic for GJB2-related condition. Last evaluated: 2026-09-09. Review status: criteria provided, single submitter. Criteria: ACMG Guidelines, 2015. Collection method: clinical testing. Allele origin: germline.
Comment: The GJB2 c.269T>C variant is predicted to result in the amino acid substitution p.Leu90Pro. This variant has been well documented as causative for autosomal recessive nonsyndromic hearing loss and deafness (Denoyelle et al. 1999. PubMed ID: 10218527; D'Andrea et al. 2002. PubMed ID: 12176036; Minárik et al. 2003. PubMed ID: 15113126; Marlin et al. 2005. PubMed ID: 15967879; Mikstiene et al. 2016. PubMed ID: 26896187; Plevova et al. 2018. PubMed ID: 30344259). This variant is reported in 0.12% of alleles in individuals of European (Non-Finnish) descent in gnomAD. This variant is interpreted as pathogenic.

CeGaT Center for Human Genetics Tuebingen
Classification: Pathogenic. Last evaluated: 2026-08-01. Review status: criteria provided, single submitter. Criteria: CeGaT Center For Human Genetics Tuebingen Variant Classification Criteria Version 2. Collection method: clinical testing. Allele origin: germline. Affected: yes. Observed: 16 variant alleles.
Comment: GJB2: PM3:Very Strong, PM2:Supporting, PP3, PS3:Supporting

Genetics Laboratory, Great Ormond Street Hospital NHS Foundation Trust, North Thames Genomic Laboratory Hub
Classification: Pathogenic for Monogenic hearing loss. Last evaluated: 2026-05-07. Review status: criteria provided, single submitter. Criteria: ACGS Best Practice Guidelines for Variant Classification in Rare Disease 2024 v1.2. Collection method: clinical testing. Allele origin: germline. Affected: yes.
Comment: PP3_supporting, PS3_moderate, PM3_very-strong

Genetics Laboratory, Great Ormond Street Hospital NHS Foundation Trust, North Thames Genomic Laboratory Hub
Classification: Pathogenic for Ichthyosis and erythrokeratoderma. Last evaluated: 2026-05-07. Review status: criteria provided, single submitter. Criteria: ACGS Best Practice Guidelines for Variant Classification in Rare Disease 2024 v1.2. Collection method: clinical testing. Allele origin: germline. Affected: yes.
Comment: the same text as in the submission from Genetics Laboratory, Great Ormond Street Hospital NHS Foundation Trust, North Thames Genomic Laboratory Hub above.

Institute of Human Genetics, Heidelberg University
Classification: Pathogenic for Autosomal recessive nonsyndromic hearing loss 1A. Last evaluated: 2026-04-28. Review status: criteria provided, single submitter. Criteria: ACMG Guidelines, 2015. Collection method: clinical testing. Allele origin: maternal. Affected: yes. Observed: 2 variant alleles.
Comment: PP3_supp, PS3_supp, PM3_vs, PP1_strong

Labcorp Genetics (formerly Invitae), Labcorp
Classification: Pathogenic. Last evaluated: 2026-01-27. Review status: criteria provided, single submitter. Criteria: Invitae Variant Classification Sherloc (09022015). Collection method: clinical testing. Allele origin: germline.
Comment: This sequence change replaces leucine, which is neutral and non-polar, with proline, which is neutral and non-polar, at codon 90 of the GJB2 protein (p.Leu90Pro). This variant is present in population databases (rs80338945, gnomAD 0.1%), and has an allele count higher than expected for a pathogenic variant. This missense change has been observed in individuals with autosomal recessive deafness (PMID: 10218527, 12172392, 12189487, 12497637, 15365987). It has also been observed to segregate with disease in related individuals. ClinVar contains an entry for this variant (Variation ID: 17016). Invitae Evidence Modeling of protein sequence and biophysical properties (such as structural, functional, and spatial information, amino acid conservation, physicochemical variation, residue mobility, and thermodynamic stability) indicates that this missense variant is expected to disrupt GJB2 protein function with a positive predictive value of 95%. Experimental studies have shown that this missense change affects GJB2 function (PMID: 12189493, 16300957). For these reasons, this variant has been classified as Pathogenic.

3billion
Classification: Pathogenic for Autosomal recessive nonsyndromic hearing loss 1A. Last evaluated: 2026-01-20. Review status: criteria provided, single submitter. Criteria: ACMG Guidelines, 2015. Collection method: clinical testing. Allele origin: germline. Affected: yes.
Comment: The variant is observed at an extremely low frequency in the gnomAD v4.1.0 dataset (total allele frequency: 0.067%). Predicted Consequence/Location: Missense variant Functional studies provide strong evidence of the variant having a damaging effect on the gene or gene product (PMID: 12176036, 12505163). In silico tool predictions suggest damaging effect of the variant on gene or gene product [REVEL: 0.98 (>=0.6, sensitivity 0.68 and specificity 0.92); 3Cnet: 0.92 (> 0.75, sensitivity 0.96 and precision 0.92)]. The same nucleotide change resulting in the same amino acid change has been previously reported as pathogenic/likely pathogenic with strong evidence (ClinVar ID: VCV000017016 /PMID: 10218527 /3billion dataset). Different missense changes at the same codon (p.Leu90Arg, p.Leu90Val) have been reported to be associated with GJB2-related disorder (PMID: 12925341, 21287563). Therefore, this variant is classified as Pathogenic according to the recommendation of ACMG/AMP guideline.

Natera, Inc.
Classification: Pathogenic for Autosomal recessive deafness type 1A. Last evaluated: 2025-11-11. Review status: criteria provided, single submitter. Criteria: Natera Variant Classification Schema (03/2026). Collection method: clinical testing. Allele origin: germline.
Comment: The c.269T>C variant in GJB2 is a missense variant predicted to cause substitution of leucine to proline at amino acid 90. This variant is rare in the general population with a frequency below the threshold expected for the associated phenotype(s). This variant has been observed in one or more individuals affected with the associated recessive disease, as either homozygous or compound heterozygous with a second variant (PMID: 19941053, 12189487). Additionally, this variant has been observed to segregate in affected family members (PMID: 12189487). Given the available evidence, this variant is classified as Pathogenic.

NM_004004.6(GJB2):c.269T>C (p.Leu90Pro)

Gene: GJB2 (gap junction protein beta 2; minus strand). Cytogenetic location: 13q12.11.
Variant type: single nucleotide variant.
Coding change: c.269T>C on transcript NM_004004.6 (MANE Select); coding-DNA position 269, T replaced by C.
Protein change: p.Leu90Pro; replaces leucine 90 with proline.
Molecular consequence: missense variant.
Genome position (GRCh38, 1-based): chr13:20,189,313, A>G on the plus strand (T>C on the coding strand, the complement: GJB2 is on the minus strand). VCF-style: chr13-20189313-A-G. GRCh37 (hg19) VCF-style: chr13-20763452-A-G.
Other names: short protein forms L90P.
Identifiers: ClinVar variation 17016 (VCV000017016.147), dbSNP rs80338945, ClinGen allele CA172219.
Genomic context (GRCh38, chr13:20,189,313, plus strand): 5'-TCCCCCTTGATGAACTTCCTCTTCTTCTCATGTCTCCGGTAGGCCACGTGCATGGCCACT[A>G]GGAGCGCTGGCGTGGACACGAAGATCAGCTGCAGGGCCCATAGCCGGATGTGGGAGATGG-3'
Protein context (NP_003995.2, residues 80-100): QLIFVSTPAL[Leu90Pro]VAMHVAYRRH